The following is an entry in ClinVar:

ClinVar aggregate classification (germline): Conflicting classifications of pathogenicity. Review status: criteria provided, conflicting classifications (1 of 4 stars). 2 submissions from 1 submitter: Uncertain significance (1); Likely benign (1). Last evaluated 2018-01-13.

Conditions:
Weill-Marchesani syndrome. Also called: WM Syndrome; Mesodermal dysmorphodystrophy congenital. Identifiers: Orphanet 3449, MedGen C0265313, MONDO:0018096.
Glaucoma 3, primary congenital, D. Identifiers: Orphanet 98976, MedGen C2751316, MONDO:0013122, OMIM 613086.

Allele frequency attached by ClinVar (database versions not stated): gnomAD exomes 0.00038; gnomAD 0.00206 and 0.00211; TOPMed 0.00234; 1000 Genomes Project 30x 0.00312; 1000 Genomes Project 0.00319.
gnomAD v4.1: 337 of 223,686 alleles (0.15%); highest among the groups gnomAD compares: African/African-American, 0.71%; 1 homozygote.

Submissions (2):

Illumina Laboratory Services, Illumina
Classification: Uncertain significance for Glaucoma 3, primary congenital, D. Last evaluated: 2018-01-13. Review status: criteria provided, single submitter. Criteria: ICSL Variant Classification Criteria 13 December 2019. Collection method: clinical testing. Allele origin: germline.

Illumina Laboratory Services, Illumina
Classification: Likely benign for Weill-Marchesani syndrome. Last evaluated: 2018-01-13. Review status: criteria provided, single submitter. Criteria: ICSL Variant Classification Criteria 13 December 2019. Collection method: clinical testing. Allele origin: germline.
Comment: This variant was observed in the ICSL laboratory as part of a predisposition screen in an ostensibly healthy population. It had not been previously curated by ICSL or reported in the Human Gene Mutation Database (HGMD: prior to June 1st, 2018), and was therefore a candidate for classification through an automated scoring system. Utilizing variant allele frequency, disease prevalence and penetrance estimates, and inheritance mode, an automated score was calculated to assess if this variant is too frequent to cause the disease. Based on the score and internal cut-off values, a variant classified as likely benign is not then subjected to further curation. The score for this variant resulted in a classification of likely benign for this disease.

NM_000428.3(LTBP2):c.*2363A>G

Gene: LTBP2 (latent transforming growth factor beta binding protein 2; minus strand). Cytogenetic location: 14q24.3.
Variant type: single nucleotide variant.
Coding change: c.*2363A>G on transcript NM_000428.3 (MANE Select); 2363 bases downstream of the stop codon, A replaced by G.
Molecular consequence: 3 prime UTR variant.
Genome position (GRCh38, 1-based): chr14:74,498,521, T>C on the plus strand (A>G on the coding strand, the complement: LTBP2 is on the minus strand). VCF-style: chr14-74498521-T-C. GRCh37 (hg19) VCF-style: chr14-74965224-T-C.
Identifiers: ClinVar variation 887315 (VCV000887315.4), dbSNP rs190461277, ClinGen allele CA263575180.